The following is an entry in ClinVar:

ClinVar aggregate classification (germline): Uncertain significance (1 of 4 stars; one submission).

Allele frequency attached by ClinVar (database versions not stated): TOPMed 0.00002.
gnomAD v4.1: 32 of 1,614,028 alleles (0.002%); highest among the groups gnomAD compares: Non-Finnish European, 0.0026%; no homozygotes.

Submission:

Labcorp Genetics (formerly Invitae), Labcorp
Classification: Uncertain significance. Last evaluated: 2022-03-28. Review status: criteria provided, single submitter. Criteria: Invitae Variant Classification Sherloc (09022015). Collection method: clinical testing. Allele origin: germline.
Comment: This sequence change replaces proline, which is neutral and non-polar, with alanine, which is neutral and non-polar, at codon 97 of the CCBE1 protein (p.Pro97Ala). This variant is present in population databases (no rsID available, gnomAD 0.0009%). This variant has not been reported in the literature in individuals affected with CCBE1-related conditions. ClinVar contains an entry for this variant (Variation ID: 1044717). Algorithms developed to predict the effect of missense changes on protein structure and function are either unavailable or do not agree on the potential impact of this missense change (SIFT: "Deleterious"; PolyPhen-2: "Probably Damaging"; Align-GVGD: "Class C0"). In summary, the available evidence is currently insufficient to determine the role of this variant in disease. Therefore, it has been classified as a Variant of Uncertain Significance.

NM_133459.4(CCBE1):c.289C>G (p.Pro97Ala)

Gene: CCBE1 (collagen and calcium binding EGF domains 1; minus strand). Cytogenetic location: 18q21.32.
Variant type: single nucleotide variant.
Coding change: c.289C>G on transcript NM_133459.4 (MANE Select); coding-DNA position 289, C replaced by G.
Protein change: p.Pro97Ala; replaces proline 97 with alanine.
Molecular consequence: missense variant.
Genome position (GRCh38, 1-based): chr18:59,469,584, G>C on the plus strand (C>G on the coding strand, the complement: CCBE1 is on the minus strand). VCF-style: chr18-59469584-G-C. GRCh37 (hg19) VCF-style: chr18-57136816-G-C.
Other names: short protein forms P97A.
Identifiers: ClinVar variation 1044717 (VCV001044717.4), dbSNP rs1216440169, ClinGen allele CA402592628.